The following is an entry in ClinVar:

NM_000829.4(GRIA4):c.2421T>C (p.Ser807=)

Gene: GRIA4 (glutamate ionotropic receptor AMPA type subunit 4; plus strand). Cytogenetic location: 11q22.3.
Variant type: single nucleotide variant.
Coding change: c.2421T>C on transcript NM_000829.4 (MANE Select); coding-DNA position 2421, T replaced by C.
Protein change: p.Ser807=; no amino-acid change (serine 807 retained).
Molecular consequence: synonymous variant. On other transcripts: non-coding transcript variant (1).
Genome position (GRCh38, 1-based): chr11:105,974,321, T>C. VCF-style: chr11-105974321-T-C. GRCh37 (hg19) VCF-style: chr11-105845048-T-C.
Other names: c.2421T>C, p.Ser807= (NM_001077243.3).
Identifiers: ClinVar variation 2642342 (VCV002642342.24), dbSNP rs2498198069, ClinGen allele CA476704378.

ClinVar aggregate classification (germline): Likely benign (1 of 4 stars; one submission).

Submission:

CeGaT Center for Human Genetics Tuebingen
Classification: Likely benign. Last evaluated: 2023-09-01. Review status: criteria provided, single submitter. Criteria: CeGaT Center For Human Genetics Tuebingen Variant Classification Criteria Version 2. Collection method: clinical testing. Allele origin: germline. Affected: yes. Observed: 1 variant allele.
Comment: GRIA4: PM2:Supporting, BP4, BP7